The following is an entry in ClinVar:

ClinVar aggregate classification (germline): Uncertain significance. Review status: criteria provided, multiple submitters, no conflicts (2 of 4 stars). 2 submissions from 2 submitters: Uncertain significance (2). Last evaluated 2026-07-30.

Conditions:
Pheochromocytoma/paraganglioma syndrome 3. Also called: GLOMUS TUMORS, FAMILIAL, 3; SDHC-Related Hereditary Paraganglioma-Pheochromocytoma Syndrome (Paragangliomas 3); SDHC-Related Hereditary Paraganglioma-Pheochromocytoma Syndrome; Paragangliomas 3. Identifiers: Orphanet 29072, MedGen C1854336, MONDO:0011544, OMIM 605373.
Gastrointestinal stromal tumor. Also called: Gastrointestinal stroma tumor; Gastrointestinal stromal tumor, somatic. Identifiers: Orphanet 44890, MedGen C0238198, MeSH D046152, MONDO:0011719, OMIM 606764, HP:0100723.
Hereditary cancer-predisposing syndrome. Also called: Tumor predisposition; Neoplastic Syndromes, Hereditary; Hereditary Cancer Syndrome; Hereditary neoplastic syndrome. Identifiers: Orphanet 140162, MedGen C0027672, MeSH D009386, MONDO:0015356.

Allele frequency attached by ClinVar (database versions not stated): gnomAD exomes below 0.00001.
gnomAD v4.1: 2 of 1,610,360 alleles (0.00012%); highest among the groups gnomAD compares: Non-Finnish European, 0.00017%; no homozygotes.

Submissions (2):

Ambry Genetics
Classification: Uncertain significance for Hereditary cancer-predisposing syndrome. Last evaluated: 2026-07-30. Review status: criteria provided, single submitter. Criteria: Ambry Variant Classification Scheme 2023. Collection method: clinical testing. Allele origin: germline.
Comment: The p.R25G variant (also known as c.73A>G), located in coding exon 2 of the SDHC gene, results from an A to G substitution at nucleotide position 73. The arginine at codon 25 is replaced by glycine, an amino acid with dissimilar properties. This amino acid position is highly conserved in available vertebrate species. In addition, this alteration is predicted to be deleterious by in silico analysis. Based on the available evidence, the clinical significance of this variant remains unclear.

Labcorp Genetics (formerly Invitae), Labcorp
Classification: Uncertain significance for Pheochromocytoma/paraganglioma syndrome 3; Gastrointestinal stromal tumor. Last evaluated: 2025-05-12. Review status: criteria provided, single submitter. Criteria: Invitae Variant Classification Sherloc (09022015). Collection method: clinical testing. Allele origin: germline.
Comment: This sequence change replaces arginine, which is basic and polar, with glycine, which is neutral and non-polar, at codon 25 of the SDHC protein (p.Arg25Gly). This variant is not present in population databases (gnomAD no frequency). This variant has not been reported in the literature in individuals affected with SDHC-related conditions. ClinVar contains an entry for this variant (Variation ID: 239457). An algorithm developed to predict the effect of missense changes on protein structure and function (PolyPhen-2) suggests that this variant is likely to be tolerated. In summary, the available evidence is currently insufficient to determine the role of this variant in disease. Therefore, it has been classified as a Variant of Uncertain Significance.

NM_003001.5(SDHC):c.73A>G (p.Arg25Gly)

Gene: SDHC (succinate dehydrogenase complex subunit C; plus strand). Cytogenetic location: 1q23.3.
Variant type: single nucleotide variant.
Coding change: c.73A>G on transcript NM_003001.5 (MANE Select); coding-DNA position 73, A replaced by G.
Protein change: p.Arg25Gly; replaces arginine 25 with glycine.
Molecular consequence: missense variant. On other transcripts: 5 prime UTR variant (2), non-coding transcript variant (1), intron variant (4).
Genome position (GRCh38, 1-based): chr1:161,323,666, A>G. VCF-style: chr1-161323666-A-G. GRCh37 (hg19) VCF-style: chr1-161293456-A-G.
Other names: c.73A>G, p.Arg25Gly (NM_001035511.3, NM_001035512.3, NM_001278172.3 and 2 more transcripts); c.-39A>G (NM_001407119.1); c.-157A>G (NM_001407120.1); c.21-4730A>G (NM_001407116.1, NM_001407121.1, NM_001407117.1); c.20+9241A>G (NM_001035513.3); short protein forms R25G.
Identifiers: ClinVar variation 239457 (VCV000239457.16), dbSNP rs878854587, ClinGen allele CA10581735.